The following is an entry in ClinVar:

ClinVar aggregate classification (germline): Uncertain significance. Review status: criteria provided, multiple submitters, no conflicts (2 of 4 stars). 2 submissions from 2 submitters: Uncertain significance (2). Last evaluated 2025-09-10.

Allele frequency attached by ClinVar (database versions not stated): ExAC 0.00002; gnomAD exomes 0.00004 and 0.00008; TOPMed 0.00003.
gnomAD v4.1: 120 of 1,614,048 alleles (0.0074%); highest among the groups gnomAD compares: Non-Finnish European, 0.0092%; no homozygotes.

Submissions (2):

Labcorp Genetics (formerly Invitae), Labcorp
Classification: Uncertain significance. Last evaluated: 2025-09-10. Review status: criteria provided, single submitter. Criteria: Invitae Variant Classification Sherloc (09022015). Collection method: clinical testing. Allele origin: germline.
Comment: This sequence change replaces aspartic acid, which is acidic and polar, with valine, which is neutral and non-polar, at codon 321 of the MTMR14 protein (p.Asp321Val). This variant is present in population databases (rs200659107, gnomAD 0.006%). This variant has not been reported in the literature in individuals affected with MTMR14-related conditions. ClinVar contains an entry for this variant (Variation ID: 1473232). An algorithm developed to predict the effect of missense changes on protein structure and function (PolyPhen-2) suggests that this variant is likely to be disruptive. In summary, the available evidence is currently insufficient to determine the role of this variant in disease. Therefore, it has been classified as a Variant of Uncertain Significance.

Ambry Genetics
Classification: Uncertain significance. Last evaluated: 2021-10-12. Review status: criteria provided, single submitter. Criteria: Ambry Variant Classification Scheme 2023. Collection method: clinical testing. Allele origin: germline.

NM_001077525.3(MTMR14):c.962A>T (p.Asp321Val)

Gene: MTMR14 (myotubularin related protein 14; plus strand). Cytogenetic location: 3p25.3.
Variant type: single nucleotide variant.
Coding change: c.962A>T on transcript NM_001077525.3 (MANE Select); coding-DNA position 962, A replaced by T.
Protein change: p.Asp321Val; replaces aspartic acid 321 with valine.
Molecular consequence: missense variant.
Genome position (GRCh38, 1-based): chr3:9,683,242, A>T. VCF-style: chr3-9683242-A-T. GRCh37 (hg19) VCF-style: chr3-9724926-A-T.
Other names: c.962A>T (NM_022485.4); c.962A>T, p.Asp321Val (NM_001077526.3, NM_022485.5); short protein forms D321V.
Identifiers: ClinVar variation 1473232 (VCV001473232.9), dbSNP rs200659107, ClinGen allele CA2240519.